The following is an entry in ClinVar:

NM_001367561.1(DOCK7):c.5573A>C (p.Gln1858Pro)

Gene: DOCK7 (dedicator of cytokinesis 7; minus strand). Cytogenetic location: 1p31.3.
Variant type: single nucleotide variant.
Coding change: c.5573A>C on transcript NM_001367561.1 (MANE Select); coding-DNA position 5573, A replaced by C.
Protein change: p.Gln1858Pro; replaces glutamine 1858 with proline.
Molecular consequence: missense variant.
Genome position (GRCh38, 1-based): chr1:62,477,761, T>G on the plus strand (A>C on the coding strand, the complement: DOCK7 is on the minus strand). VCF-style: chr1-62477761-T-G. GRCh37 (hg19) VCF-style: chr1-62943432-T-G.
Other names: c.5540A>C, p.Gln1847Pro (NM_001271999.2); c.5453A>C, p.Gln1818Pro (NM_001272000.2); c.5447A>C, p.Gln1816Pro (NM_001272001.2); c.5546A>C, p.Gln1849Pro (NM_001330614.2); c.5480A>C, p.Gln1827Pro (NM_033407.4); short protein forms Q1847P, Q1849P, Q1858P, Q1816P, Q1818P, Q1827P.
Identifiers: ClinVar variation 1993802 (VCV001993802.4), dbSNP rs1246687239, ClinGen allele CA340605338.

ClinVar aggregate classification (germline): Uncertain significance (1 of 4 stars; one submission).

Conditions:
Developmental and epileptic encephalopathy, 23 (DEE23). Also called: Epileptic encephalopathy, early infantile, 23. Identifiers: Orphanet 411986, MedGen C4014492, MONDO:0014371, OMIM 615859.

Allele frequency attached by ClinVar (database versions not stated): TOPMed below 0.00001; gnomAD 0.00001.

Submission:

Labcorp Genetics (formerly Invitae), Labcorp
Classification: Uncertain significance for Developmental and epileptic encephalopathy, 23. Last evaluated: 2023-08-04. Review status: criteria provided, single submitter. Criteria: Invitae Variant Classification Sherloc (09022015). Collection method: clinical testing. Allele origin: germline.
Comment: This variant is not present in population databases (gnomAD no frequency). This variant has not been reported in the literature in individuals affected with DOCK7-related conditions. ClinVar contains an entry for this variant (Variation ID: 1993802). Advanced modeling of protein sequence and biophysical properties (such as structural, functional, and spatial information, amino acid conservation, physicochemical variation, residue mobility, and thermodynamic stability) performed at Invitae indicates that this missense variant is not expected to disrupt DOCK7 protein function. In summary, the available evidence is currently insufficient to determine the role of this variant in disease. Therefore, it has been classified as a Variant of Uncertain Significance. This sequence change replaces glutamine, which is neutral and polar, with proline, which is neutral and non-polar, at codon 1847 of the DOCK7 protein (p.Gln1847Pro).